The following is an entry in ClinVar:

ClinVar aggregate classification (germline): Uncertain significance (1 of 4 stars; one submission).

Conditions:
Autosomal recessive limb-girdle muscular dystrophy type 2O. Also called: Limb-Girdle Muscular Dystrophy Type 3C; MUSCULAR DYSTROPHY-DYSTROGLYCANOPATHY (LIMB-GIRDLE), TYPE C, 3; MUSCULAR DYSTROPHY-DYSTROGLYCANOPATHY, LIMB-GIRDLE, POMGNT1-RELATED. Identifiers: Orphanet 206564, MedGen C3150417, MONDO:0013161, OMIM 613157.
Muscular dystrophy-dystroglycanopathy (congenital with impaired intellectual development), type B, 3. Also called: MUSCULAR DYSTROPHY, CONGENITAL, POMGNT1-RELATED; Muscular dystrophy-dystroglycanopathy (congenital with intellectual disability), type B3. Identifiers: MedGen C3150412, MONDO:0013155, OMIM 613151.

Submission:

Labcorp Genetics (formerly Invitae), Labcorp
Classification: Uncertain significance for Autosomal recessive limb-girdle muscular dystrophy type 2O; Muscular dystrophy-dystroglycanopathy (congenital with impaired intellectual development), type B, 3. Last evaluated: 2023-12-28. Review status: criteria provided, single submitter. Criteria: Invitae Variant Classification Sherloc (09022015). Collection method: clinical testing. Allele origin: germline.
Comment: This sequence change replaces proline, which is neutral and non-polar, with serine, which is neutral and polar, at codon 291 of the POMGNT1 protein (p.Pro291Ser). This variant is not present in population databases (gnomAD no frequency). This variant has not been reported in the literature in individuals affected with POMGNT1-related conditions. Advanced modeling of protein sequence and biophysical properties (such as structural, functional, and spatial information, amino acid conservation, physicochemical variation, residue mobility, and thermodynamic stability) has been performed at Invitae for this missense variant, however the output from this modeling did not meet the statistical confidence thresholds required to predict the impact of this variant on POMGNT1 protein function. In summary, the available evidence is currently insufficient to determine the role of this variant in disease. Therefore, it has been classified as a Variant of Uncertain Significance.

NM_017739.4(POMGNT1):c.871C>T (p.Pro291Ser)

Genes: POMGNT1 (protein O-linked mannose N-acetylglucosaminyltransferase 1 (beta 1,2-); minus strand), TSPAN1 (tetraspanin 1; plus strand). Cytogenetic location: 1p34.1.
Variant type: single nucleotide variant.
Coding change: c.871C>T on transcript NM_017739.4 (MANE Select); coding-DNA position 871, C replaced by T.
Protein change: p.Pro291Ser; replaces proline 291 with serine.
Molecular consequence: missense variant.
Genome position (GRCh38, 1-based): chr1:46,194,282, G>A on the plus strand (C>T on the coding strand, the complement: POMGNT1 is on the minus strand). VCF-style: chr1-46194282-G-A. GRCh37 (hg19) VCF-style: chr1-46659954-G-A.
Other names: c.871C>T, p.Pro291Ser (NM_001243766.2, NM_001410783.1); c.805C>T, p.Pro269Ser (NM_001290129.3); c.442C>T, p.Pro148Ser (NM_001290130.2); short protein forms P148S, P291S, P269S.
Identifiers: ClinVar variation 2952848 (VCV002952848.3), dbSNP rs2525422852, ClinGen allele CA340182407.